The following is an entry in ClinVar:

ClinVar aggregate classification (germline): Benign/Likely benign. Review status: criteria provided, multiple submitters, no conflicts (2 of 4 stars). 4 submissions from 4 submitters: Benign (3); Likely benign (1). Last evaluated 2026-02-04.

Conditions:
Multiple acyl-CoA dehydrogenase deficiency (MADD). Also called: Glutaric aciduria, type 2; Glutaric acidemia type II; GA 2; ETHYLMALONIC-ADIPICACIDURIA; GA II; Glutaric Acidemia type 2. Identifiers: Orphanet 26791, MedGen C0268596, MONDO:0009282, OMIM 231680.

Allele frequency attached by ClinVar (database versions not stated): ESP Exome Variant Server 0.00315; gnomAD 0.00346 and 0.00366; TOPMed 0.00385; 1000 Genomes Project 30x 0.00468; 1000 Genomes Project 0.00539; gnomAD exomes 0.00033 and 0.00081; ExAC 0.00098.
gnomAD v4.1: 965 of 1,413,342 alleles (0.068%); highest among the groups gnomAD compares: African/African-American, 1.2%; 9 homozygotes.

Submissions (4):

Labcorp Genetics (formerly Invitae), Labcorp
Classification: Benign for Multiple acyl-CoA dehydrogenase deficiency. Last evaluated: 2026-02-04. Review status: criteria provided, single submitter. Criteria: Invitae Variant Classification Sherloc (09022015). Collection method: clinical testing. Allele origin: germline.

ARUP Laboratories, Molecular Genetics and Genomics, ARUP Laboratories
Classification: Benign for Multiple acyl-CoA dehydrogenase deficiency. Last evaluated: 2022-03-08. Review status: criteria provided, single submitter. Criteria: ARUP Molecular Germline Variant Investigation Process 2021. Collection method: clinical testing. Allele origin: germline.

Illumina Laboratory Services, Illumina
Classification: Likely benign for Multiple acyl-CoA dehydrogenase deficiency. Last evaluated: 2018-01-13. Review status: criteria provided, single submitter. Criteria: ICSL Variant Classification Criteria 13 December 2019. Collection method: clinical testing. Allele origin: germline.
Comment: This variant was observed in the ICSL laboratory as part of a predisposition screen in an ostensibly healthy population. It had not been previously curated by ICSL or reported in the Human Gene Mutation Database (HGMD: prior to June 1st, 2018), and was therefore a candidate for classification through an automated scoring system. Utilizing variant allele frequency, disease prevalence and penetrance estimates, and inheritance mode, an automated score was calculated to assess if this variant is too frequent to cause the disease. Based on the score and internal cut-off values, a variant classified as likely benign is not then subjected to further curation. The score for this variant resulted in a classification of likely benign for this disease.

GeneDx
Classification: Benign. Last evaluated: 2014-04-04. Review status: criteria provided, single submitter. Criteria: GeneDx Variant Classification (06012015). Collection method: clinical testing. Allele origin: germline. Affected: yes.
Comment: This variant is considered likely benign or benign based on one or more of the following criteria: it is a conservative change, it occurs at a poorly conserved position in the protein, it is predicted to be benign by multiple in silico algorithms, and/or has population frequency not consistent with disease.

NM_004453.4(ETFDH):c.684+13A>C

Gene: ETFDH (electron transfer flavoprotein dehydrogenase; plus strand). Cytogenetic location: 4q32.1.
Variant type: single nucleotide variant.
Coding change: c.684+13A>C on transcript NM_004453.4 (MANE Select); 13 bases into the intron after coding-DNA position 684, A replaced by C.
Molecular consequence: intron variant.
Genome position (GRCh38, 1-based): chr4:158,690,438, A>C. VCF-style: chr4-158690438-A-C. GRCh37 (hg19) VCF-style: chr4-159611590-A-C.
Other names: c.543+13A>C (NM_001281737.2); c.501+13A>C (NM_001281738.1).
Identifiers: ClinVar variation 137232 (VCV000137232.13), dbSNP rs149407913, ClinGen allele CA290770.
Genomic context (GRCh38, chr4:158,690,438, plus strand): 5'-GGAATTGCCACTAACGATGTAGGGATACAAAAGGATGGTGCACCAAAGGTAAACCTTTTT[A>C]ATAGTTACGTGCTTAATAAAGCGACAAACAACAGAAAGAACTGTGTGGGCATCAAAGTGA-3'